The following is an entry in ClinVar:

ClinVar aggregate classification (germline): Uncertain significance (1 of 4 stars; one submission).

Conditions:
Hereditary intrinsic factor deficiency (IFD). Also called: PERNICIOUS ANEMIA, CONGENITAL, DUE TO DEFECT OF INTRINSIC FACTOR; Congenital intrinsic factor deficiency. Identifiers: Orphanet 332, MedGen C2062370, MONDO:0009852, OMIM 261000.

Submission:

Labcorp Genetics (formerly Invitae), Labcorp
Classification: Uncertain significance for Hereditary intrinsic factor deficiency. Last evaluated: 2018-05-04. Review status: criteria provided, single submitter. Criteria: Invitae Variant Classification Sherloc (09022015). Collection method: clinical testing. Allele origin: germline.
Comment: This variant is not present in population databases (ExAC no frequency). This variant has not been reported in the literature in individuals with GIF-related disease. In summary, the available evidence is currently insufficient to determine the role of this variant in disease. Therefore, it has been classified as a Variant of Uncertain Significance. This sequence change results in a premature translational stop signal in the GIF gene (p.Pro394Leufs*2). While this is not anticipated to result in nonsense mediated decay, it is expected to disrupt/delete the last 24 amino acids of the GIF protein.

NM_005142.3(CBLIF):c.1181del (p.Pro394fs)

Gene: CBLIF (cobalamin binding intrinsic factor; minus strand). Cytogenetic location: 11q12.1.
Variant type: Deletion.
Coding change: c.1181del on transcript NM_005142.3 (MANE Select); coding-DNA position 1181, one base deleted (C; older notation c.1181delC).
Protein change: p.Pro394fs; shifts the reading frame from proline 394.
Molecular consequence: frameshift variant.
Genome position (GRCh38, 1-based): chr11:59,831,689, G deleted on the plus strand (C on the coding strand, the reverse complement: CBLIF is on the minus strand); the first of 2 consecutive G bases (chr11:59,831,689-59,831,690); deleting either gives the same sequence. VCF-style (leftmost placement, unchanged base first): chr11-59831688-AG-A. GRCh37 (hg19) VCF-style: chr11-59599161-AG-A.
Other names: short protein forms P394fs.
Identifiers: ClinVar variation 581451 (VCV000581451.5), dbSNP rs1565206584, ClinGen allele CA891842800.
Genomic context (GRCh38, chr11:59,831,688, plus strand): 5'-TGTAGCCTTCAGACTATGGAAGATAACGCCTATGTCTTTTCTTCCCTCACCTTCATTCAA[AG>A]GTGTTACACCACTAAGAAACTGCCAGTATGTCTTGTGATTAACATTTTCCGCGATATTGT-3'